The following is an entry in ClinVar:

ClinVar aggregate classification (germline): Pathogenic/Likely pathogenic. Review status: criteria provided, multiple submitters, no conflicts (2 of 4 stars). 4 submissions from 4 submitters: Pathogenic (3); Likely pathogenic (1). Last evaluated 2024-09-27.

Conditions:
Hereditary nonpolyposis colon cancer (HNPCC). Also called: Hereditary Nonpolyposis Colorectal Cancer Syndrome; Hereditary nonpolyposis colorectal cancer; Familial nonpolyposis colon cancer. Identifiers: Orphanet 443909, MedGen C1333990, MONDO:0018630. Disease mechanism: loss of function.
Hereditary nonpolyposis colorectal neoplasms. Identifiers: MedGen C0009405, MeSH D003123.
Hereditary cancer-predisposing syndrome. Also called: Hereditary Cancer Syndrome; Hereditary neoplastic syndrome; Neoplastic Syndromes, Hereditary; Tumor predisposition. Identifiers: Orphanet 140162, MedGen C0027672, MeSH D009386, MONDO:0015356.
Lynch syndrome 5 (LYNCH5). Also called: Hereditary non-polyposis colorectal cancer, type 5; Colorectal cancer, hereditary nonpolyposis, type 5. Identifiers: Orphanet 144, MedGen C1833477, MONDO:0013710, OMIM 614350. Disease mechanism: loss of function.

Submissions (4):

Ambry Genetics
Classification: Pathogenic for Hereditary cancer-predisposing syndrome. Last evaluated: 2024-09-27. Review status: criteria provided, single submitter. Criteria: Ambry Variant Classification Scheme 2023. Collection method: clinical testing. Allele origin: germline.
Comment: The c.3543_3546delCAGA pathogenic mutation, located in coding exon 6 of the MSH6 gene, results from a deletion of 4 nucleotides at nucleotide positions 3543 to 3546, causing a translational frameshift with a predicted alternate stop codon (p.D1181Efs*2). This variant is considered to be rare based on population cohorts in the Genome Aggregation Database (gnomAD). This alteration is expected to result in loss of function by premature protein truncation or nonsense-mediated mRNA decay. As such, this alteration is interpreted as a disease-causing mutation.

Labcorp Genetics (formerly Invitae), Labcorp
Classification: Pathogenic for Hereditary nonpolyposis colorectal neoplasms. Last evaluated: 2023-10-12. Review status: criteria provided, single submitter. Criteria: Invitae Variant Classification Sherloc (09022015). Collection method: clinical testing. Allele origin: germline.
Comment: This sequence change creates a premature translational stop signal (p.Asp1181Glufs*2) in the MSH6 gene. It is expected to result in an absent or disrupted protein product. Loss-of-function variants in MSH6 are known to be pathogenic (PMID: 18269114, 24362816). This variant is not present in population databases (gnomAD no frequency). This variant has not been reported in the literature in individuals affected with MSH6-related conditions. ClinVar contains an entry for this variant (Variation ID: 455268). For these reasons, this variant has been classified as Pathogenic.

Myriad Genetics, Inc.
Classification: Pathogenic for Lynch syndrome 5. Last evaluated: 2023-08-24. Review status: criteria provided, single submitter. Criteria: Myriad Autosomal Dominant, Autosomal Recessive and X-Linked Classification Criteria (2023). Collection method: clinical testing. Allele origin: unknown.
Comment: This variant is considered pathogenic. This variant creates a frameshift predicted to result in premature protein truncation.

Women's Health and Genetics/Laboratory Corporation of America, LabCorp
Classification: Likely pathogenic for Lynch syndrome. Last evaluated: 2019-02-19. Review status: criteria provided, single submitter. Criteria: LabCorp Variant Classification Summary - May 2015. Collection method: clinical testing. Allele origin: germline.
Comment: Variant summary: MSH6 c.3543_3546delCAGA (p.Asp1181GlufsX2) results in a premature termination codon, predicted to cause a truncation of the encoded protein or absence of the protein due to nonsense mediated decay, which are commonly known mechanisms for disease. Truncations downstream of this position have been classified as pathogenic by our laboratory (e.g. c.3609_3612delTGCA (p.His1203fsX12), c.3699_3702delAGAA (p.Lys1233fsX6), and c.3799_3800delAT (p.Met1267fsX7)). The variant was absent in 245920 control chromosomes (gnomAD). To our knowledge, no occurrence of c.3543_3546delCAGA in individuals affected with Lynch Syndrome and no experimental evidence demonstrating its impact on protein function have been reported. A ClinVar submission from a clinical diagnostic laboratory (evaluation after 2014) cites the variant as pathogenic. Based on the evidence outlined above, the variant was classified as likely pathogenic.

Literature cited by the submitters: PubMed 18269114 (cited by Labcorp Genetics (formerly Invitae), Labcorp); PubMed 24362816 (cited by Labcorp Genetics (formerly Invitae), Labcorp).

NM_000179.3(MSH6):c.3543_3546del (p.Asp1181fs)

Gene: MSH6 (mutS homolog 6; plus strand). Cytogenetic location: 2p16.3.
Variant type: Microsatellite.
Coding change: c.3543_3546del on transcript NM_000179.3 (MANE Select); coding-DNA positions 3543 to 3546, 4 bases deleted (CAGA; older notation c.3543_3546delCAGA).
Protein change: p.Asp1181fs; shifts the reading frame from aspartic acid 1181.
Molecular consequence: frameshift variant.
Genome position (GRCh38, 1-based): chr2:47,805,014-47,805,017, CAGA deleted; deleting any 4 consecutive bases within chr2:47,805,010-47,805,017 gives the same sequence; the c. name uses the placement nearest the transcript's 3' end. VCF-style (leftmost placement, unchanged base first): chr2-47805009-TCAGA-T. GRCh37 (hg19) VCF-style: chr2-48032148-TCAGA-T.
Other names: c.3543_3546delCAGA (NM_000179.2); c.3153_3156del, p.Asp1051fs (NM_001281492.2); c.2637_2640del, p.Asp879fs (NM_001281493.2, NM_001281494.2); short protein forms D1051fs, D1181fs, D879fs.
Identifiers: ClinVar variation 455268 (VCV000455268.10), dbSNP rs1553332297, ClinGen allele CA658655716.